The following is an entry in ClinVar:

ClinVar aggregate classification (germline): Uncertain significance. Review status: criteria provided, multiple submitters, no conflicts (2 of 4 stars). 2 submissions from 2 submitters: Uncertain significance (2). Last evaluated 2026-07-07.

Conditions:
ABCD3-related disorder. Also called: ABCD3-related condition.

Allele frequency attached by ClinVar (database versions not stated): gnomAD exomes 0.00001; gnomAD 0.00003; TOPMed 0.00003.
gnomAD v4.1: 11 of 1,613,316 alleles (0.00068%); highest among the groups gnomAD compares: Admixed American, 0.018%; no homozygotes.

Submissions (2):

PreventionGenetics, part of Exact Sciences
Classification: Uncertain significance for ABCD3-related condition. Last evaluated: 2026-07-07. Review status: criteria provided, single submitter. Criteria: ACMG Guidelines, 2015. Collection method: clinical testing. Allele origin: germline.
Comment: The ABCD3 c.1627A>C variant is predicted to result in the amino acid substitution p.Lys543Gln. To our knowledge, this variant has not been reported in the literature. This variant is reported in 0.0029% of alleles in individuals of Latino descent in gnomAD. At this time, the clinical significance of this variant is uncertain due to the absence of conclusive functional and genetic evidence.

Labcorp Genetics (formerly Invitae), Labcorp
Classification: Uncertain significance. Last evaluated: 2025-12-10. Review status: criteria provided, single submitter. Criteria: Invitae Variant Classification Sherloc (09022015). Collection method: clinical testing. Allele origin: germline.
Comment: This sequence change replaces lysine, which is basic and polar, with glutamine, which is neutral and polar, at codon 543 of the ABCD3 protein (p.Lys543Gln). This variant is present in population databases (no rsID available, gnomAD 0.003%). This variant has not been reported in the literature in individuals affected with ABCD3-related conditions. ClinVar contains an entry for this variant (Variation ID: 1904692). An algorithm developed to predict the effect of missense changes on protein structure and function (PolyPhen-2) suggests that this variant is likely to be tolerated. In summary, the available evidence is currently insufficient to determine the role of this variant in disease. Therefore, it has been classified as a Variant of Uncertain Significance.

NM_002858.4(ABCD3):c.1627A>C (p.Lys543Gln)

Gene: ABCD3 (ATP binding cassette subfamily D member 3; plus strand). Cytogenetic location: 1p21.3.
Variant type: single nucleotide variant.
Coding change: c.1627A>C on transcript NM_002858.4 (MANE Select); coding-DNA position 1627, A replaced by C.
Protein change: p.Lys543Gln; replaces lysine 543 with glutamine.
Molecular consequence: missense variant.
Genome position (GRCh38, 1-based): chr1:94,499,501, A>C. VCF-style: chr1-94499501-A-C. GRCh37 (hg19) VCF-style: chr1-94965057-A-C.
Other names: c.1627A>C (NM_002858.3); short protein forms K543Q.
Identifiers: ClinVar variation 1904692 (VCV001904692.6), dbSNP rs1178646992, ClinGen allele CA341305466.